The following is an entry in ClinVar:

ClinVar aggregate classification (germline): Uncertain significance. Review status: criteria provided, multiple submitters, no conflicts (2 of 4 stars). 2 submissions from 2 submitters: Uncertain significance (2). Last evaluated 2023-02-21.

Conditions:
Epilepsy, childhood absence, susceptibility to, 1. Also called: Epilepsy, childhood absence 1. Identifiers: Orphanet 64280, MedGen C1838604, MONDO:0020759, OMIM 600131.
Epilepsy, childhood absence, susceptibility to, 5. Identifiers: Orphanet 64280, MedGen C2677087, MONDO:0012843, OMIM 612269.

Allele frequency attached by ClinVar (database versions not stated): gnomAD exomes below 0.00001.
gnomAD v4.1: 1 of 1,484,844 alleles (0.000067%); highest among the groups gnomAD compares: Admixed American, 0.0021%; no homozygotes.

Submissions (2):

GeneDx
Classification: Uncertain significance. Last evaluated: 2023-02-21. Review status: criteria provided, single submitter. Criteria: GeneDx Variant Classification Process June 2021. Collection method: clinical testing. Allele origin: germline. Affected: yes.
Comment: Not observed at significant frequency in large population cohorts (gnomAD); In silico analysis supports that this missense variant does not alter protein structure/function; Has not been previously published as pathogenic or benign to our knowledge

Labcorp Genetics (formerly Invitae), Labcorp
Classification: Uncertain significance for Epilepsy, childhood absence, susceptibility to, 5; Epilepsy, childhood absence, susceptibility to, 1. Last evaluated: 2023-02-10. Review status: criteria provided, single submitter. Criteria: Invitae Variant Classification Sherloc (09022015). Collection method: clinical testing. Allele origin: germline.
Comment: This sequence change replaces leucine, which is neutral and non-polar, with proline, which is neutral and non-polar, at codon 9 of the GABRB3 protein (p.Leu9Pro). This variant is not present in population databases (gnomAD no frequency). This variant has not been reported in the literature in individuals affected with GABRB3-related conditions. Algorithms developed to predict the effect of missense changes on protein structure and function (SIFT, PolyPhen-2, Align-GVGD) all suggest that this variant is likely to be tolerated. In summary, the available evidence is currently insufficient to determine the role of this variant in disease. Therefore, it has been classified as a Variant of Uncertain Significance.

NM_000814.6(GABRB3):c.26T>C (p.Leu9Pro)

Gene: GABRB3 (gamma-aminobutyric acid type A receptor subunit beta3; minus strand). Cytogenetic location: 15q12.
Variant type: single nucleotide variant.
Coding change: c.26T>C on transcript NM_000814.6 (MANE Select); coding-DNA position 26, T replaced by C.
Protein change: p.Leu9Pro; replaces leucine 9 with proline.
Molecular consequence: missense variant. On other transcripts: 5 prime UTR variant (1), intron variant (1).
Genome position (GRCh38, 1-based): chr15:26,772,937, A>G on the plus strand (T>C on the coding strand, the complement: GABRB3 is on the minus strand). VCF-style: chr15-26772937-A-G. GRCh37 (hg19) VCF-style: chr15-27018084-A-G.
Other names: c.-326T>C (NM_001278631.2); c.81-165T>C (NM_021912.5); short protein forms L9P.
Identifiers: ClinVar variation 2576925 (VCV002576925.4), dbSNP rs2504095953, ClinGen allele CA391465663.
Genomic context (GRCh38, chr15:26,772,937, plus strand): 5'-CCCTACCTCTGGGCGCAGCACACCACAGCCACCAGCACCGGGGCCGAGAAGATGCCGAAA[A>G]GCCTTCCTCCCGCAAGGCCCCACATCCCTCCGCCGCGCCCCGGCACGGGGGAGGGGGCGC-3'
Protein context (NP_000805.1, residues 1-19): MWGLAGGR[Leu9Pro]FGIFSAPVLV